The following is an entry in ClinVar:

NM_001128148.3(TFRC):c.585-7T>C

Gene: TFRC (transferrin receptor; minus strand). Cytogenetic location: 3q29.
Variant type: single nucleotide variant.
Coding change: c.585-7T>C on transcript NM_001128148.3 (MANE Select); 7 bases into the intron before coding-DNA position 585, T replaced by C.
Molecular consequence: intron variant.
Genome position (GRCh38, 1-based): chr3:196,071,505, A>G on the plus strand (T>C on the coding strand, the complement: TFRC is on the minus strand). VCF-style: chr3-196071505-A-G. GRCh37 (hg19) VCF-style: chr3-195798376-A-G.
Other names: c.-262-7T>C (NM_001313966.2); c.342-7T>C (NM_001313965.2); c.585-7T>C (NM_003234.4).
Identifiers: ClinVar variation 2896248 (VCV002896248.3), dbSNP rs755996766, ClinGen allele CA2778254.

ClinVar aggregate classification (germline): Uncertain significance (1 of 4 stars; one submission).

Allele frequency attached by ClinVar (database versions not stated): ExAC 0.00001; gnomAD 0.00001; TOPMed 0.00001; gnomAD exomes 0.00004.
gnomAD v4.1: 58 of 1,613,644 alleles (0.0036%); highest among the groups gnomAD compares: Non-Finnish European, 0.0047%; no homozygotes.

Submission:

Labcorp Genetics (formerly Invitae), Labcorp
Classification: Uncertain significance. Last evaluated: 2024-01-25. Review status: criteria provided, single submitter. Criteria: Invitae Variant Classification Sherloc (09022015). Collection method: clinical testing. Allele origin: germline.
Comment: This sequence change falls in intron 5 of the TFRC gene. It does not directly change the encoded amino acid sequence of the TFRC protein. This variant is present in population databases (rs755996766, gnomAD 0.003%). This variant has not been reported in the literature in individuals affected with TFRC-related conditions. Algorithms developed to predict the effect of sequence changes on RNA splicing suggest that this variant may disrupt the consensus splice site. In summary, the available evidence is currently insufficient to determine the role of this variant in disease. Therefore, it has been classified as a Variant of Uncertain Significance.